The following is an entry in ClinVar:

NC_000007.13:g.(?_6026380)_(6037064_?)dup

Gene: PMS2 (PMS1 homolog 2, mismatch repair system component; minus strand). Cytogenetic location: 7p22.1.
Variant type: Duplication.
Identifiers: ClinVar variation 583536 (VCV000583536.7).

ClinVar aggregate classification (germline): Uncertain significance (1 of 4 stars; one submission).

Conditions:
Hereditary nonpolyposis colorectal neoplasms. Identifiers: MedGen C0009405, MeSH D003123.

Submission:

Labcorp Genetics (formerly Invitae), Labcorp
Classification: Uncertain significance for Hereditary nonpolyposis colorectal neoplasms. Last evaluated: 2021-04-09. Review status: criteria provided, single submitter. Criteria: Invitae Variant Classification Sherloc (09022015). Collection method: clinical testing. Allele origin: germline.
Comment: In summary, the available evidence is currently insufficient to determine the role of this variant in disease. Therefore, it has been classified as a Variant of Uncertain Significance. This variant has not been reported in the literature in individuals with PMS2-related disease. This variant results in a copy number gain of the genomic region encompassing exons 7-15 of the PMS2 gene. The 5' boundary is likely confined to intron 6. The 3' end of this event is unknown as it extends beyond the assayed region for this gene and therefore may encompass additional genes. As the precise location of this event is unknown, it may be in tandem or it may be located elsewhere in the genome.